The following is an entry in ClinVar:

ClinVar aggregate classification (germline): Conflicting classifications of pathogenicity. Review status: criteria provided, conflicting classifications (1 of 4 stars). 5 submissions from 5 submitters: Pathogenic (2); Likely pathogenic (1); Uncertain significance (1). 1 of the submissions does not count toward it. Last evaluated 2026-08-01.

Conditions:
BBS10-related disorder. Also called: BBS10-related condition.
Bardet-Biedl syndrome 10 (BBS10). Identifiers: Orphanet 110, MedGen C1859568, MONDO:0014438, OMIM 615987.
Bardet-Biedl syndrome (BBS). Identifiers: Orphanet 110, MedGen C0752166, MONDO:0015229.

Submissions (5):

PreventionGenetics, part of Exact Sciences
Classification: Uncertain significance for BBS10-related condition. Last evaluated: 2026-08-01. Review status: criteria provided, single submitter. Criteria: ACMG Guidelines, 2015. Collection method: clinical testing. Allele origin: germline.
Comment: The BBS10 c.590_592delACT variant is predicted to result in an in-frame deletion (p.Tyr197del). To our knowledge, this variant has not been reported in the literature. Similar in-frame deletions (c.595_597del and c.592_597del) have been reported in individuals with Bardet-Biedl syndrome (Table S1 Stoetzel et al. 2006. PubMed ID: 16582908; Table 1 in Muller et al. 2010. PubMed ID: 20177705). This c.590_592del variant is reported in 0.0046% of alleles in individuals of European (Finnish) descent in gnomAD. This variant has conflicting classifications listed in ClinVar ranging from uncertain to pathogenic (Variation ID: 956783). At this time, the clinical significance of this variant is uncertain due to the absence of conclusive functional and genetic evidence.

Women's Health and Genetics/Laboratory Corporation of America, LabCorp
Classification: Pathogenic for Bardet-Biedl syndrome. Last evaluated: 2025-04-30. Review status: criteria provided, single submitter. Criteria: LabCorp Variant Classification Summary - May 2015. Collection method: clinical testing. Allele origin: germline.
Comment: Variant summary: BBS10 c.590_592delACT (p.Tyr197del) results in an in-frame deletion that is predicted to remove one amino acid from the encoded protein. The variant allele was found at a frequency of 1.2e-05 in 251108 control chromosomes (gnomAD). c.590_592delACT has been observed in at least an individual affected with Bardet-Biedl Syndrome where it was seen in trans with a pathogenic variant (Internal data). To our knowledge, no experimental evidence demonstrating an impact on protein function has been reported. The deleted region harbors another pathogenic missense variant (p.Tyr197Cys; PMID: 20498079, 16582908, 35112343, Internal data). ClinVar contains an entry for this variant (Variation ID: 956783). Based on the evidence outlined above, the variant was classified as pathogenic.

Labcorp Genetics (formerly Invitae), Labcorp
Classification: Pathogenic for Bardet-Biedl syndrome. Last evaluated: 2023-10-08. Review status: criteria provided, single submitter. Criteria: Invitae Variant Classification Sherloc (09022015). Collection method: clinical testing. Allele origin: germline.
Comment: This variant, c.590_592del, results in the deletion of 1 amino acid(s) of the BBS10 protein (p.Tyr197del), but otherwise preserves the integrity of the reading frame. This variant is present in population databases (no rsID available, gnomAD 0.005%). This variant has been observed in individual(s) with clinical features of BBS10-related conditions (Invitae). In at least one individual the data is consistent with being in trans (on the opposite chromosome) from a pathogenic variant. ClinVar contains an entry for this variant (Variation ID: 956783). This variant disrupts a region of the BBS10 protein in which other variant(s) (p.Tyr197Cys) have been determined to be pathogenic (PMID: 16582908, 20498079, 35112343; Invitae). This suggests that this is a clinically significant region of the protein, and that variants that disrupt it are likely to be disease-causing. For these reasons, this variant has been classified as Pathogenic.

Blueprint Genetics
Classification: Likely pathogenic for BBS10-related disorders. Last evaluated: 2021-09-06. Review status: criteria provided, single submitter. Criteria: ACMG Guidelines, 2015. Collection method: clinical testing. Allele origin: germline. Affected: yes. Observed: 3 variant alleles.

Fulgent Genetics
Classification: Uncertain significance for Bardet-Biedl syndrome 10. Last evaluated: 2021-09-02. Review status: flagged submission. Criteria: ACMG Guidelines, 2015. Collection method: clinical testing. Allele origin: unknown. Not counted in ClinVar's aggregate classification.
ClinVar note: Reason: Older claim that does not account for recent evidence

Literature cited by the submitters: PubMed 16582908 (cited by Labcorp Genetics (formerly Invitae), Labcorp); PubMed 20498079 (cited by Labcorp Genetics (formerly Invitae), Labcorp); PubMed 35112343 (cited by Labcorp Genetics (formerly Invitae), Labcorp).

NM_024685.4(BBS10):c.587ACT[1] (p.Tyr197del)

Gene: BBS10 (Bardet-Biedl syndrome 10; minus strand). Cytogenetic location: 12q21.2.
Variant type: Microsatellite.
Coding change: c.587ACT[1] on transcript NM_024685.4 (MANE Select); one copy of the 3-base unit ACT starting at c.587; the reference has two copies in a row; one copy, 3 bases deleted; also written c.590_592del.
Protein change: p.Tyr197del; deletes tyrosine 197.
Molecular consequence: inframe deletion.
Genome position (GRCh38, 1-based): chr12:76,347,393-76,347,395, AGT deleted on the plus strand (ACT on the coding strand, the reverse complement: BBS10 is on the minus strand); deleting any 3 consecutive bases within chr12:76,347,393-76,347,398 gives the same sequence; the position shown is the placement nearest the transcript's 3' end. VCF-style (leftmost placement, unchanged base first): chr12-76347392-AAGT-A. GRCh37 (hg19) VCF-style: chr12-76741172-AAGT-A.
Other names: c.590_592delACT (NM_024685.4, NM_024685.3); c.590_592del (NM_024685.4); short protein forms Y197del.
Identifiers: ClinVar variation 956783 (VCV000956783.13), dbSNP rs1318745309, ClinGen allele CA606185942.
Genomic context (GRCh38, chr12:76,347,392, plus strand): 5'-AAATGGTCATCCACTAACTCAAATACACCAATCCCACTTTTACAAGTCATACACTTGAAA[AAGT>A]AGTCACACATCAACTGTGAAATAAATTTATGATTATTTCTTCCCACTCTTCCACAAAAGT-3'